The following is an entry in ClinVar:

NM_001205293.3(CACNA1E):c.3214G>A (p.Val1072Ile)

Gene: CACNA1E (calcium voltage-gated channel subunit alpha1 E; plus strand). Cytogenetic location: 1q25.3.
Variant type: single nucleotide variant.
Coding change: c.3214G>A on transcript NM_001205293.3 (MANE Select); coding-DNA position 3214, G replaced by A.
Protein change: p.Val1072Ile; replaces valine 1072 with isoleucine.
Molecular consequence: missense variant.
Genome position (GRCh38, 1-based): chr1:181,733,702, G>A. VCF-style: chr1-181733702-G-A. GRCh37 (hg19) VCF-style: chr1-181702838-G-A.
Other names: c.3214G>A, p.Val1072Ile (NM_000721.4); c.3157G>A, p.Val1053Ile (NM_001205294.2); short protein forms V1072I, V1053I.
Identifiers: ClinVar variation 1430199 (VCV001430199.11), dbSNP rs553844010, ClinGen allele CA1275508.

ClinVar aggregate classification (germline): Uncertain significance. Review status: criteria provided, multiple submitters, no conflicts (2 of 4 stars). 3 submissions from 3 submitters: Uncertain significance (3). Last evaluated 2025-02-24.

Conditions:
Developmental and epileptic encephalopathy, 69. Also called: EPILEPTIC ENCEPHALOPATHY, EARLY INFANTILE, 69. Identifiers: MedGen C4748988, MONDO:0032657, OMIM 618285.

Allele frequency attached by ClinVar (database versions not stated): TOPMed below 0.00001; gnomAD 0.00001; 1000 Genomes Project 30x 0.00016; 1000 Genomes Project 0.00020.
gnomAD v4.1: 13 of 1,593,898 alleles (0.00082%); highest among the groups gnomAD compares: African/African-American, 0.004%; no homozygotes.

Submissions (3):

Labcorp Genetics (formerly Invitae), Labcorp
Classification: Uncertain significance. Last evaluated: 2025-02-24. Review status: criteria provided, single submitter. Criteria: Invitae Variant Classification Sherloc (09022015). Collection method: clinical testing. Allele origin: germline.
Comment: This sequence change replaces valine, which is neutral and non-polar, with isoleucine, which is neutral and non-polar, at codon 1072 of the CACNA1E protein (p.Val1072Ile). The frequency data for this variant in the population databases is considered unreliable, as metrics indicate poor data quality at this position in the gnomAD database. This variant has not been reported in the literature in individuals affected with CACNA1E-related conditions. ClinVar contains an entry for this variant (Variation ID: 1430199). Invitae Evidence Modeling of protein sequence and biophysical properties (such as structural, functional, and spatial information, amino acid conservation, physicochemical variation, residue mobility, and thermodynamic stability) indicates that this missense variant is not expected to disrupt CACNA1E protein function with a negative predictive value of 95%. In summary, the available evidence is currently insufficient to determine the role of this variant in disease. Therefore, it has been classified as a Variant of Uncertain Significance.

Genome-Nilou Lab
Classification: Uncertain significance for Developmental and epileptic encephalopathy, 69. Last evaluated: 2023-04-11. Review status: criteria provided, single submitter. Criteria: ACMG Guidelines, 2015. Collection method: clinical testing. Allele origin: germline. Affected: no.

Revvity Omics, Revvity
Classification: Uncertain significance for Developmental and epileptic encephalopathy, 69. Last evaluated: 2021-08-19. Review status: criteria provided, single submitter. Criteria: ACMG Guidelines, 2015. Collection method: clinical testing. Allele origin: germline.